The following is an entry in ClinVar:

NM_000138.5(FBN1):c.116C>A (p.Ala39Asp)

Gene: FBN1 (fibrillin 1; minus strand). Cytogenetic location: 15q21.1.
Variant type: single nucleotide variant.
Coding change: c.116C>A on transcript NM_000138.5 (MANE Select); coding-DNA position 116, C replaced by A.
Protein change: p.Ala39Asp; replaces alanine 39 with aspartic acid.
Molecular consequence: missense variant.
Genome position (GRCh38, 1-based): chr15:48,644,654, G>T on the plus strand (C>A on the coding strand, the complement: FBN1 is on the minus strand). VCF-style: chr15-48644654-G-T. GRCh37 (hg19) VCF-style: chr15-48936851-G-T.
Other names: c.116C>A, p.Ala39Asp (NM_001406716.1, NM_001406717.1, NM_001406718.1); short protein forms A39D.
Identifiers: ClinVar variation 3074945 (VCV003074945.1), dbSNP rs2505821956, ClinGen allele CA392453611.

ClinVar aggregate classification (germline): Uncertain significance (1 of 4 stars; one submission).

Conditions:
Marfan syndrome (MFS). Also called: MARFAN SYNDROME, TYPE I; Marfan syndrome type 1; Marfan's syndrome; Marfan syndrome, classic; FBN1-Related Marfan Syndrome. Identifiers: Orphanet 284963, Orphanet 558, MedGen C0024796, MONDO:0007947, OMIM 154700.

Submission:

All of Us Research Program, National Institutes of Health
Classification: Uncertain significance for Marfan syndrome. Last evaluated: 2024-01-11. Review status: criteria provided, single submitter. Criteria: ACMG Guidelines, 2015. Collection method: clinical testing. Allele origin: germline. Inheritance: Autosomal dominant inheritance. Observed: 1 variant allele, 1 heterozygote.
Comment: This study involves interpretation of variants in research participants for the purpose of population health screening. Participant phenotype was not available at the time of variant classification. Additional details can be found in publication PMID: 35346344, PMCID: PMC8962531